The following is an entry in ClinVar:

NM_182641.4(BPTF):c.298G>A (p.Gly100Ser)

Gene: BPTF (bromodomain PHD finger transcription factor; plus strand). Cytogenetic location: 17q24.2.
Variant type: single nucleotide variant.
Coding change: c.298G>A on transcript NM_182641.4 (MANE Select); coding-DNA position 298, G replaced by A.
Protein change: p.Gly100Ser; replaces glycine 100 with serine.
Molecular consequence: missense variant.
Genome position (GRCh38, 1-based): chr17:67,826,022, G>A. VCF-style: chr17-67826022-G-A. GRCh37 (hg19) VCF-style: chr17-65822138-G-A.
Other names: c.298G>A, p.Gly100Ser (NM_004459.7); short protein forms G100S.
Identifiers: ClinVar variation 2130712 (VCV002130712.4), dbSNP rs2509390422, ClinGen allele CA400715659.

ClinVar aggregate classification (germline): Uncertain significance (1 of 4 stars; one submission).

Allele frequency attached by ClinVar (database versions not stated): gnomAD exomes below 0.00001.
gnomAD v4.1: 1 of 1,182,644 alleles (0.000085%); highest among the groups gnomAD compares: Non-Finnish European, 0.00011%; no homozygotes.

Submission:

Labcorp Genetics (formerly Invitae), Labcorp
Classification: Uncertain significance. Last evaluated: 2024-12-16. Review status: criteria provided, single submitter. Criteria: Invitae Variant Classification Sherloc (09022015). Collection method: clinical testing. Allele origin: germline.
Comment: This sequence change replaces glycine, which is neutral and non-polar, with serine, which is neutral and polar, at codon 100 of the BPTF protein (p.Gly100Ser). The frequency data for this variant in the population databases is considered unreliable, as metrics indicate insufficient coverage at this position in the gnomAD database. This variant has not been reported in the literature in individuals affected with BPTF-related conditions. ClinVar contains an entry for this variant (Variation ID: 2130712). Experimental studies and prediction algorithms are not available or were not evaluated, and the functional significance of this variant is currently unknown. In summary, the available evidence is currently insufficient to determine the role of this variant in disease. Therefore, it has been classified as a Variant of Uncertain Significance.